The following is an entry in ClinVar:

NM_000152.5(GAA):c.1972T>G (p.Cys658Gly)

Gene: GAA (alpha glucosidase; plus strand). Cytogenetic location: 17q25.3.
Variant type: single nucleotide variant.
Coding change: c.1972T>G on transcript NM_000152.5 (MANE Select); coding-DNA position 1972, T replaced by G.
Protein change: p.Cys658Gly; replaces cysteine 658 with glycine.
Molecular consequence: missense variant.
Genome position (GRCh38, 1-based): chr17:80,112,959, T>G. VCF-style: chr17-80112959-T-G. GRCh37 (hg19) VCF-style: chr17-78086758-T-G.
Other names: c.1972T>G, p.Cys658Gly (NM_001079803.3, NM_001079804.3); short protein forms C658G.
Identifiers: ClinVar variation 961023 (VCV000961023.10), dbSNP rs2039278476, ClinGen allele CA401369984.

ClinVar aggregate classification (germline): Uncertain significance (1 of 4 stars; one submission).

Conditions:
Glycogen storage disease, type II (IOPD). Also called: Glucosidase acid-1,4-alpha deficiency; CARDIOMEGALIA GLYCOGENICA DIFFUSA; Glycogen storage disease type 2; Acid maltase deficiency disease; Aglucosidase alfa; Deficiency of alpha-glucosidase. Identifiers: Orphanet 365, MedGen C0017921, MONDO:0009290, OMIM 232300.

Submission:

Labcorp Genetics (formerly Invitae), Labcorp
Classification: Uncertain significance for Glycogen storage disease, type II. Last evaluated: 2022-11-01. Review status: criteria provided, single submitter. Criteria: Invitae Variant Classification Sherloc (09022015). Collection method: clinical testing. Allele origin: germline.
Comment: This sequence change replaces cysteine, which is neutral and slightly polar, with glycine, which is neutral and non-polar, at codon 658 of the GAA protein (p.Cys658Gly). This variant is not present in population databases (gnomAD no frequency). This variant has not been reported in the literature in individuals affected with GAA-related conditions. ClinVar contains an entry for this variant (Variation ID: 961023). Advanced modeling of protein sequence and biophysical properties (such as structural, functional, and spatial information, amino acid conservation, physicochemical variation, residue mobility, and thermodynamic stability) performed at Invitae indicates that this missense variant is expected to disrupt GAA protein function. In summary, the available evidence is currently insufficient to determine the role of this variant in disease. Therefore, it has been classified as a Variant of Uncertain Significance.